The following is an entry in ClinVar:

NM_000492.4(CFTR):c.1495C>G (p.Pro499Ala)

Genes: CFTR (CF transmembrane conductance regulator; plus strand), CFTR-AS1 (CFTR antisense RNA 1; minus strand). Cytogenetic location: 7q31.2.
Variant type: single nucleotide variant.
Coding change: c.1495C>G on transcript NM_000492.4 (MANE Select); coding-DNA position 1495, C replaced by G.
Protein change: p.Pro499Ala; replaces proline 499 with alanine.
Molecular consequence: missense variant.
Genome position (GRCh38, 1-based): chr7:117,559,566, C>G. VCF-style: chr7-117559566-C-G. GRCh37 (hg19) VCF-style: chr7-117199620-C-G.
Other names: short protein forms P499A.
Identifiers: ClinVar variation 53268 (VCV000053268.25), dbSNP rs397508219, ClinGen allele CA326507.
Genomic context (GRCh38, chr7:117,559,566, plus strand): 5'-GAGGGTAAAATTAAGCACAGTGGAAGAATTTCATTCTGTTCTCAGTTTTCCTGGATTATG[C>G]CTGGCACCATTAAAGAAAATATCATCTTTGGTGTTTCCTATGATGAATATAGATACAGAA-3'
Protein context (NP_000483.3, residues 489-509): SFCSQFSWIM[Pro499Ala]GTIKENIIFG

ClinVar aggregate classification (germline): Uncertain significance. Review status: criteria provided, multiple submitters, no conflicts (2 of 4 stars). 5 submissions from 5 submitters: Uncertain significance (3). 2 of the submissions do not count toward it. Last evaluated 2026-01-26.

Conditions:
Cystic fibrosis (CF). Also called: MUCOVISCIDOSIS. Identifiers: Orphanet 586, MedGen C0010674, MONDO:0009061, OMIM 219700. Disease mechanism: loss of function.

Allele frequency attached by ClinVar (database versions not stated): TOPMed 0.00001; ExAC 0.00003.
gnomAD v4.1: 12 of 1,611,738 alleles (0.00074%); highest among the groups gnomAD compares: Admixed American, 0.0017%; no homozygotes.

Submissions (5):

Women's Health and Genetics/Laboratory Corporation of America, LabCorp
Classification: Uncertain significance. Last evaluated: 2026-01-26. Review status: criteria provided, single submitter. Criteria: LabCorp Variant Classification Summary - May 2015. Collection method: clinical testing. Allele origin: germline.
Comment: Variant summary: CFTR c.1495C>G (p.Pro499Ala) results in a non-conservative amino acid change located in the ABC transporter-like, ATP-binding domain (IPR003439) of the encoded protein sequence. Algorithms developed to predict the effect of missense changes on protein structure and function all suggest that this variant is likely to be disruptive. The variant allele was found at a frequency of 2e-05 in 251290 control chromosomes. c.1495C>G has been observed in compound heterozygosity with p.Trp1282* (p.W1282X) in at least 1 individual affected with congenital bilateral absence of the vas deferens (Arduino_1998) and in compound heterozygosity with p.Phe508del in at least 1 newborn with CF-screening positive inconclusive diagnosis (CF-SPID), defined as discordance between results of immunoreactive trypsinogen (IRT), molecular analysis and sweat test (ST) (Castaldo_2020). It was also reported presumed compound heterozygous in 1 further individual with cystic fibrosis (Ragno_2020). At least one publication reports experimental evidence evaluating an impact on protein function. The most pronounced variant effect resulted in approximately 40% of normal chloride channel conductance relative to wild type (Bihler_2024). The following publications have been ascertained in the context of this evaluation (PMID: 25735457, 29216686, 32784480, 9630075, 27488443, 38388235, 32060344, 39778078). ClinVar contains an entry for this variant (Variation ID: 53268). Based on the evidence outlined above, the variant was classified as VUS-possibly pathogenic.

Ambry Genetics
Classification: Uncertain significance for Cystic fibrosis. Last evaluated: 2024-06-26. Review status: criteria provided, single submitter. Criteria: Ambry Variant Classification Scheme 2023. Collection method: clinical testing. Allele origin: germline.
Comment: The p.P499A variant (also known as c.1495C>G), located in coding exon 11 of the CFTR gene, results from a C to G substitution at nucleotide position 1495. The proline at codon 499 is replaced by alanine, an amino acid with highly similar properties. This amino acid position is highly conserved in available vertebrate species. In addition, this alteration is predicted to be deleterious by in silico analysis. Based on the available evidence, the clinical significance of this variant remains unclear.

Johns Hopkins Genomics, Johns Hopkins University
Classification: Uncertain significance for Cystic fibrosis. Last evaluated: 2023-07-14. Review status: criteria provided, single submitter. Criteria: ACMG Guidelines, 2015. Collection method: clinical testing. Allele origin: germline.
Comment: This CFTR missense variant has been identified in individuals with a second CF-causing variant and features of cystic fibrosis, but not a classic cystic fibrosis phenotype. This variant (rs397508219) is rare (<0.1%) in a large population dataset (gnomAD: 5/251290 total alleles; 0.002%; no homozygotes) and has been reported in ClinVar (Variation ID:53268). Two bioinformatic tools queried predict that this substitution would be damaging and the proline residue at this position is evolutionarily conserved across all species assessed. We consider the clinical significance of CFTR c.1495C>G to be uncertain at this time.

Natera, Inc.
Classification: Uncertain significance for Cystic Fibrosis. Last evaluated: 2020-09-16. Review status: no assertion criteria provided. Collection method: clinical testing. Allele origin: germline. Not counted in ClinVar's aggregate classification.

ClinVar Staff, National Center for Biotechnology Information (NCBI)
No classification provided. Condition: CFTR-related disorders. Review status: no classification provided. Collection method: literature only. Allele origin: germline. Affected: yes. Not counted in ClinVar's aggregate classification.

Literature cited by the submitters: PubMed 25735457 (cited by Women's Health and Genetics/Laboratory Corporation of America, LabCorp); PubMed 29216686 (cited by Women's Health and Genetics/Laboratory Corporation of America, LabCorp); PubMed 32784480 (cited by Women's Health and Genetics/Laboratory Corporation of America, LabCorp and Johns Hopkins Genomics, Johns Hopkins University); PubMed 9630075 (cited by 3 submitters); PubMed 27488443 (cited by Women's Health and Genetics/Laboratory Corporation of America, LabCorp); PubMed 38388235 (cited by Women's Health and Genetics/Laboratory Corporation of America, LabCorp); PubMed 32060344 (cited by Women's Health and Genetics/Laboratory Corporation of America, LabCorp); PubMed 39778078 (cited by Women's Health and Genetics/Laboratory Corporation of America, LabCorp); PubMed 20059485 (cited by ClinVar Staff, National Center for Biotechnology Information (NCBI)).